The following is an entry in ClinVar:

NM_014339.7(IL17RA):c.2588G>C (p.Gly863Ala)

Gene: IL17RA (interleukin 17 receptor A; plus strand). Cytogenetic location: 22q11.1.
Variant type: single nucleotide variant.
Coding change: c.2588G>C on transcript NM_014339.7 (MANE Select); coding-DNA position 2588, G replaced by C.
Protein change: p.Gly863Ala; replaces glycine 863 with alanine.
Molecular consequence: missense variant.
Genome position (GRCh38, 1-based): chr22:17,109,807, G>C. VCF-style: chr22-17109807-G-C. GRCh37 (hg19) VCF-style: chr22-17590697-G-C.
Other names: c.2486G>C, p.Gly829Ala (NM_001289905.2); short protein forms G829A, G863A.
Identifiers: ClinVar variation 2142090 (VCV002142090.4), dbSNP rs2061433119, ClinGen allele CA410222531.

ClinVar aggregate classification (germline): Uncertain significance (1 of 4 stars; one submission).

Conditions:
Immunodeficiency 51 (IMD51). Also called: CANDIDIASIS, FAMILIAL, 5. Identifiers: Orphanet 1334, MedGen C4310803, MONDO:0013500, OMIM 613953.

Allele frequency attached by ClinVar (database versions not stated): gnomAD exomes below 0.00001; gnomAD 0.00001.
gnomAD v4.1: 4 of 1,549,618 alleles (0.00026%); highest among the groups gnomAD compares: East Asian, 0.0024%; no homozygotes.

Submission:

Labcorp Genetics (formerly Invitae), Labcorp
Classification: Uncertain significance for Immunodeficiency 51. Last evaluated: 2024-02-19. Review status: criteria provided, single submitter. Criteria: Invitae Variant Classification Sherloc (09022015). Collection method: clinical testing. Allele origin: germline.
Comment: This sequence change replaces glycine, which is neutral and non-polar, with alanine, which is neutral and non-polar, at codon 863 of the IL17RA protein (p.Gly863Ala). This variant is not present in population databases (gnomAD no frequency). This variant has not been reported in the literature in individuals affected with IL17RA-related conditions. ClinVar contains an entry for this variant (Variation ID: 2142090). An algorithm developed to predict the effect of missense changes on protein structure and function (PolyPhen-2) suggests that this variant is likely to be tolerated. In summary, the available evidence is currently insufficient to determine the role of this variant in disease. Therefore, it has been classified as a Variant of Uncertain Significance.